The following is an entry in ClinVar:

NM_004385.5(VCAN):c.3251C>T (p.Ser1084Phe)

Gene: VCAN (versican; plus strand). Cytogenetic location: 5q14.3.
Variant type: single nucleotide variant.
Coding change: c.3251C>T on transcript NM_004385.5 (MANE Select); coding-DNA position 3251, C replaced by T.
Protein change: p.Ser1084Phe; replaces serine 1084 with phenylalanine.
Molecular consequence: missense variant. On other transcripts: intron variant (2).
Genome position (GRCh38, 1-based): chr5:83,521,557, C>T. VCF-style: chr5-83521557-C-T. GRCh37 (hg19) VCF-style: chr5-82817376-C-T.
Other names: c.3251C>T, p.Ser1084Phe (NM_001164098.2); c.1042+9161C>T (NM_001164097.2, NM_001126336.3); short protein forms S1084F.
Identifiers: ClinVar variation 2704385 (VCV002704385.3), dbSNP rs2479057055, ClinGen allele CA360305659.

ClinVar aggregate classification (germline): Uncertain significance (1 of 4 stars; one submission).

Submission:

Labcorp Genetics (formerly Invitae), Labcorp
Classification: Uncertain significance. Last evaluated: 2023-12-20. Review status: criteria provided, single submitter. Criteria: Invitae Variant Classification Sherloc (09022015). Collection method: clinical testing. Allele origin: germline.
Comment: This sequence change replaces serine, which is neutral and polar, with phenylalanine, which is neutral and non-polar, at codon 1084 of the VCAN protein (p.Ser1084Phe). This variant is not present in population databases (gnomAD no frequency). This variant has not been reported in the literature in individuals affected with VCAN-related conditions. Algorithms developed to predict the effect of missense changes on protein structure and function output the following: SIFT: "Not Available"; PolyPhen-2: "Benign"; Align-GVGD: "Not Available". The phenylalanine amino acid residue is found in multiple mammalian species, which suggests that this missense change does not adversely affect protein function. In summary, the available evidence is currently insufficient to determine the role of this variant in disease. Therefore, it has been classified as a Variant of Uncertain Significance.